The following is an entry in ClinVar:

NM_173477.5(USH1G):c.756C>T (p.Asp252=)

Gene: USH1G (USH1 protein network component sans; minus strand). Cytogenetic location: 17q25.1.
Variant type: single nucleotide variant.
Coding change: c.756C>T on transcript NM_173477.5 (MANE Select); coding-DNA position 756, C replaced by T.
Protein change: p.Asp252=; no amino-acid change (aspartic acid 252 retained).
Molecular consequence: synonymous variant.
Genome position (GRCh38, 1-based): chr17:74,920,080, G>A on the plus strand (C>T on the coding strand, the complement: USH1G is on the minus strand). VCF-style: chr17-74920080-G-A. GRCh37 (hg19) VCF-style: chr17-72916175-G-A.
Other names: c.447C>T, p.Asp149= (NM_001282489.3); c.756C>T (NM_173477.4).
Identifiers: ClinVar variation 228198 (VCV000228198.36), dbSNP rs146752863, ClinGen allele CA8754008.

ClinVar aggregate classification (germline): Likely benign. Review status: criteria provided, multiple submitters, no conflicts (2 of 4 stars). 8 submissions from 8 submitters: Likely benign (5). 3 of the submissions do not count toward it. Last evaluated 2026-01-25.

Conditions:
USH1G-related disorder. Also called: USH1G-related disorders; USH1G-related condition.

Allele frequency attached by ClinVar (database versions not stated): gnomAD exomes 0.00013; ExAC 0.00015; gnomAD 0.00017 and 0.00020; 1000 Genomes Project 0.00020; TOPMed 0.00021; 1000 Genomes Project 30x 0.00031; ESP Exome Variant Server 0.00062.
gnomAD v4.1: 473 of 1,606,186 alleles (0.029%); highest among the groups gnomAD compares: Non-Finnish European, 0.036%; no homozygotes.

Submissions (8):

Labcorp Genetics (formerly Invitae), Labcorp
Classification: Likely benign. Last evaluated: 2026-01-25. Review status: criteria provided, single submitter. Criteria: Invitae Variant Classification Sherloc (09022015). Collection method: clinical testing. Allele origin: germline.

CeGaT Center for Human Genetics Tuebingen
Classification: Likely benign. Last evaluated: 2025-08-01. Review status: criteria provided, single submitter. Criteria: CeGaT Center For Human Genetics Tuebingen Variant Classification Criteria Version 2. Collection method: clinical testing. Allele origin: germline. Affected: yes. Observed: 2 variant alleles.
Comment: USH1G: BP4, BP7

Blueprint Genetics
Classification: Likely benign. Last evaluated: 2024-11-28. Review status: criteria provided, single submitter. Criteria: ACMG Guidelines, 2015. Collection method: clinical testing. Allele origin: germline.

GeneDx
Classification: Likely benign. Last evaluated: 2019-09-06. Review status: criteria provided, single submitter. Criteria: GeneDx Variant Classification Process June 2021. Collection method: clinical testing. Allele origin: germline. Affected: yes.

Laboratory for Molecular Medicine, Mass General Brigham Personalized Medicine
Classification: Likely benign. Last evaluated: 2015-05-07. Review status: criteria provided, single submitter. Criteria: LMM Criteria. Collection method: clinical testing. Allele origin: germline. Observed: 2 variant alleles.
Comment: p.Asp252Asp in exon 2 of USH1G: This variant is not expected to have clinical si gnificance because it does not alter an amino acid residue and is not located wi thin the splice consensus sequence. It has been identified in 17/64230 European chromosomes by the Exome Aggregation Consortium (ExAC; dbSNP rs146752863).

PreventionGenetics, part of Exact Sciences
Classification: Likely benign for USH1G-related condition. Last evaluated: 2019-10-28. Review status: no assertion criteria provided. Collection method: clinical testing. Allele origin: germline. Not counted in ClinVar's aggregate classification.
Comment: This variant is classified as likely benign based on ACMG/AMP sequence variant interpretation guidelines (Richards et al. 2015 PMID: 25741868, with internal and published modifications).

Clinical Genetics DNA and cytogenetics Diagnostics Lab, Erasmus MC, Erasmus Medical Center
Classification: Likely benign. Review status: no assertion criteria provided. Collection method: clinical testing. Allele origin: germline. Affected: yes. Study: VKGL Data-share Consensus. Not counted in ClinVar's aggregate classification.

Clinical Genetics, Academic Medical Center
Classification: Benign. Review status: no assertion criteria provided. Collection method: clinical testing. Allele origin: germline. Affected: yes. Study: VKGL Data-share Consensus. Not counted in ClinVar's aggregate classification.